The following is an entry in ClinVar:

NM_001440.4(EXTL3):c.76C>T (p.Arg26Cys)

Gene: EXTL3 (exostosin like glycosyltransferase 3; plus strand). Cytogenetic location: 8p21.1.
Variant type: single nucleotide variant.
Coding change: c.76C>T on transcript NM_001440.4 (MANE Select); coding-DNA position 76, C replaced by T.
Protein change: p.Arg26Cys; replaces arginine 26 with cysteine.
Molecular consequence: missense variant.
Genome position (GRCh38, 1-based): chr8:28,716,135, C>T. VCF-style: chr8-28716135-C-T. GRCh37 (hg19) VCF-style: chr8-28573652-C-T.
Other names: c.76C>T (NM_001440.2); short protein forms R26C.
Identifiers: ClinVar variation 1357569 (VCV001357569.4), dbSNP rs141948891, ClinGen allele CA4695925.
Genomic context (GRCh38, chr8:28,716,135, plus strand): 5'-ATGCTGCGGAATGGGGGCGCGGGGAACGGAGGTCAGACCTGCATGCTGCGCTGGTCCAAC[C>T]GCATCCGCCTCACGTGGCTCAGCTTCACGCTCTTTGTCATCCTGGTCTTCTTCCCGCTCA-3'
Protein context (NP_001431.1, residues 16-36): GQTCMLRWSN[Arg26Cys]IRLTWLSFTL

ClinVar aggregate classification (germline): Uncertain significance. Review status: criteria provided, multiple submitters, no conflicts (2 of 4 stars). 2 submissions from 2 submitters: Uncertain significance (2). Last evaluated 2024-01-23.

Conditions:
Inborn genetic diseases. Identifiers: MedGen C0950123, MeSH D030342.

Allele frequency attached by ClinVar (database versions not stated): ExAC 0.00002; gnomAD exomes 0.00002 and 0.00001; TOPMed 0.00002; ESP Exome Variant Server 0.00008.
gnomAD v4.1: 17 of 1,613,810 alleles (0.0011%); highest among the groups gnomAD compares: East Asian, 0.0067%; no homozygotes.

Submissions (2):

Ambry Genetics
Classification: Uncertain significance for Inborn genetic diseases. Last evaluated: 2024-01-23. Review status: criteria provided, single submitter. Criteria: Ambry Variant Classification Scheme 2023. Collection method: clinical testing. Allele origin: germline.

Labcorp Genetics (formerly Invitae), Labcorp
Classification: Uncertain significance. Last evaluated: 2021-11-01. Review status: criteria provided, single submitter. Criteria: Invitae Variant Classification Sherloc (09022015). Collection method: clinical testing. Allele origin: germline.
Comment: This sequence change replaces arginine, which is basic and polar, with cysteine, which is neutral and slightly polar, at codon 26 of the EXTL3 protein (p.Arg26Cys). This variant is present in population databases (rs141948891, gnomAD 0.007%). This variant has not been reported in the literature in individuals affected with EXTL3-related conditions. Algorithms developed to predict the effect of missense changes on protein structure and function are either unavailable or do not agree on the potential impact of this missense change (SIFT: "Tolerated"; PolyPhen-2: "Possibly Damaging"; Align-GVGD: "Class C0"). In summary, the available evidence is currently insufficient to determine the role of this variant in disease. Therefore, it has been classified as a Variant of Uncertain Significance.